The following is an entry in ClinVar:

NM_000744.7(CHRNA4):c.799C>T (p.Leu267=)

Gene: CHRNA4 (cholinergic receptor nicotinic alpha 4 subunit; minus strand). Cytogenetic location: 20q13.33.
Variant type: single nucleotide variant.
Coding change: c.799C>T on transcript NM_000744.7 (MANE Select); coding-DNA position 799, C replaced by T.
Protein change: p.Leu267=; no amino-acid change (leucine 267 retained).
Molecular consequence: synonymous variant. On other transcripts: non-coding transcript variant (1).
Genome position (GRCh38, 1-based): chr20:63,350,612, G>A on the plus strand (C>T on the coding strand, the complement: CHRNA4 is on the minus strand). VCF-style: chr20-63350612-G-A. GRCh37 (hg19) VCF-style: chr20-61981964-G-A.
Other names: c.271C>T, p.Leu91= (NM_001256573.2).
Identifiers: ClinVar variation 98337 (VCV000098337.4), dbSNP rs121912256, ClinGen allele CA150454.

ClinVar aggregate classification (germline): Uncertain significance. Review status: criteria provided, single submitter (1 of 4 stars). 3 submissions from 2 submitters: Uncertain significance (2). 1 of the submissions does not count toward it. Last evaluated 2017-10-11.

Conditions:
Tobacco addiction, susceptibility to. Also called: CIGARETTE HABITUATION, SUSCEPTIBILITY TO. Identifiers: MedGen C1861063, MONDO:0100460, OMIM 188890.
Autosomal dominant nocturnal frontal lobe epilepsy 1. Also called: EPILEPSY, NOCTURNAL FRONTAL LOBE, TYPE 1; CHRNA4-Related Nocturnal Frontal Lobe Epilepsy, Autosomal Dominant. Identifiers: Orphanet 98784, MedGen C1838049, MONDO:0010899, OMIM 600513.
Tobacco use disorder. Identifiers: MedGen C0040336.

Submissions (3):

Center for Genomics, Ann and Robert H. Lurie Children's Hospital of Chicago
Classification: Uncertain significance for Autosomal dominant nocturnal frontal lobe epilepsy 1. Last evaluated: 2017-10-11. Review status: criteria provided, single submitter. Criteria: ACMG Guidelines, 2015. Collection method: clinical testing. Allele origin: germline.
Comment: CHRNA4 NM_000744.6 exon 5 p.Leu267= (c.799C>T): This variant has not been reported in the literature and is not present in large control databases. Evolutionary conservation and computational predictive tools for this variant are limited or unavailable. Of note, this variant is a silent variant and does not change the amino acid, reducing the probability that this variant is disease causing. In summary, data on this variant is insufficient for disease classification. Therefore, the clinical significance of this variant is uncertain.

Center for Genomics, Ann and Robert H. Lurie Children's Hospital of Chicago
Classification: Uncertain significance for Tobacco addiction, susceptibility to; Autosomal dominant nocturnal frontal lobe epilepsy 1. Review status: criteria provided, single submitter. Criteria: ACMG Guidelines, 2015. Collection method: clinical testing. Allele origin: germline.
Comment: CHRNA4 NM_000744 exon 5 p.Leu267Leu (c.799C>T): This variant has not been reported in the literature and is not present in large control databases. Evolutionary conservation and computational predictive tools for this variant are limited or unavailable. Of note, this variant is a silent variant and does not change the amino acid, reducing the probability that this variant is disease causing. In summary, data on this variant is insufficient for disease classification. Therefore, the clinical significance of this variant is uncertain.

Psychiatry Genetics Yale University
No classification provided. Review status: no classification provided. Collection method: not provided. Allele origin: somatic. Not counted in ClinVar's aggregate classification.